The following is an entry in ClinVar:

ClinVar aggregate classification (germline): Uncertain significance. Review status: criteria provided, multiple submitters, no conflicts (2 of 4 stars). 3 submissions from 3 submitters: Uncertain significance (3). Last evaluated 2023-09-13.

Conditions:
Microcephaly 17, primary, autosomal recessive (MCPH17). Identifiers: Orphanet 2512, MedGen C4310723, MONDO:0014908, OMIM 617090.
Inborn genetic diseases. Identifiers: MedGen C0950123, MeSH D030342.

Allele frequency attached by ClinVar (database versions not stated): ESP Exome Variant Server 0.00015.
gnomAD v4.1: 116 of 1,566,818 alleles (0.0074%); highest among the groups gnomAD compares: African/African-American, 0.018%; no homozygotes.

Submissions (3):

Labcorp Genetics (formerly Invitae), Labcorp
Classification: Uncertain significance. Last evaluated: 2023-09-13. Review status: criteria provided, single submitter. Criteria: Invitae Variant Classification Sherloc (09022015). Collection method: clinical testing. Allele origin: germline.
Comment: This variant has not been reported in the literature in individuals affected with CIT-related conditions. In summary, the available evidence is currently insufficient to determine the role of this variant in disease. Therefore, it has been classified as a Variant of Uncertain Significance. An algorithm developed to predict the effect of missense changes on protein structure and function (PolyPhen-2) suggests that this variant is likely to be disruptive. ClinVar contains an entry for this variant (Variation ID: 2347481). This variant is present in population databases (rs200052993, gnomAD 0.03%). This sequence change replaces proline, which is neutral and non-polar, with histidine, which is basic and polar, at codon 374 of the CIT protein (p.Pro374His).

Revvity Omics, Revvity
Classification: Uncertain significance for Microcephaly 17, primary, autosomal recessive. Last evaluated: 2022-08-01. Review status: criteria provided, single submitter. Criteria: ACMG Guidelines, 2015. Collection method: clinical testing. Allele origin: germline.

Ambry Genetics
Classification: Uncertain significance for Inborn genetic diseases. Last evaluated: 2022-07-13. Review status: criteria provided, single submitter. Criteria: Ambry Variant Classification Scheme 2023. Collection method: clinical testing. Allele origin: germline.

NM_001206999.2(CIT):c.1121C>A (p.Pro374His)

Gene: CIT (citron rho-interacting serine/threonine kinase; minus strand). Cytogenetic location: 12q24.23.
Variant type: single nucleotide variant.
Coding change: c.1121C>A on transcript NM_001206999.2 (MANE Select); coding-DNA position 1121, C replaced by A.
Protein change: p.Pro374His; replaces proline 374 with histidine.
Molecular consequence: missense variant.
Genome position (GRCh38, 1-based): chr12:119,803,380, G>T on the plus strand (C>A on the coding strand, the complement: CIT is on the minus strand). VCF-style: chr12-119803380-G-T. GRCh37 (hg19) VCF-style: chr12-120241184-G-T.
Other names: c.1121C>A, p.Pro374His (NM_007174.3); short protein forms P374H.
Identifiers: ClinVar variation 2347481 (VCV002347481.6), dbSNP rs200052993, ClinGen allele CA6822182.
Genomic context (GRCh38, chr12:119,803,380, plus strand): 5'-TTCTTCTCTGGTTCATCAAAATTGGAGGTGTCATCGTCAGACTTGAGGGTGGGAACGAAG[G>T]GGGGAGGAGCTGGTTAAAGAAAAACAAGAAAGGAGGCGGGGAGGAAAAAAAATTTCAGCC-3'
Protein context (NP_001193928.1, residues 364-384): DWNNIRNSPP[Pro374His]FVPTLKSDDD